The following is an entry in ClinVar:

NM_000069.3(CACNA1S):c.3953+66G>C

Gene: CACNA1S (calcium voltage-gated channel subunit alpha1 S; minus strand). Cytogenetic location: 1q32.1.
Variant type: single nucleotide variant.
Coding change: c.3953+66G>C on transcript NM_000069.3 (MANE Select); 66 bases into the intron after coding-DNA position 3953, G replaced by C.
Molecular consequence: intron variant.
Genome position (GRCh38, 1-based): chr1:201,052,491, C>G on the plus strand (G>C on the coding strand, the complement: CACNA1S is on the minus strand). VCF-style: chr1-201052491-C-G. GRCh37 (hg19) VCF-style: chr1-201021619-C-G.
Identifiers: ClinVar variation 678226 (VCV000678226.2), dbSNP rs12029212, ClinGen allele CA10855050.
Genomic context (GRCh38, chr1:201,052,491, plus strand): 5'-TAGGACCCTGTGTGGCTGCACAGGTCACACACCCATGAAGCCAGCCCTGGCTCCAGTGCA[C>G]ATTAGAACAGAGCAAAGGCTGGACTGGTCAGCGGGGTAGGGGTGGGGGTGGCGGGAGACG-3'

ClinVar aggregate classification (germline): Benign. Review status: criteria provided, multiple submitters, no conflicts (2 of 4 stars). 2 submissions from 2 submitters: Benign (2). Last evaluated 2018-06-19.

Allele frequency attached by ClinVar (database versions not stated): 1000 Genomes Project 0.27516; 1000 Genomes Project 30x 0.28560; TOPMed 0.31289.
gnomAD v4.1: 249,947 of 1,282,898 alleles (19%); highest among the groups gnomAD compares: African/African-American, 63%; 32,129 homozygotes.

Submissions (2):

GeneDx
Classification: Benign. Last evaluated: 2018-06-19. Review status: criteria provided, single submitter. Criteria: GeneDx Variant Classification (06012015). Collection method: clinical testing. Allele origin: germline. Affected: yes.
Comment: This variant is considered likely benign or benign based on one or more of the following criteria: it is a conservative change, it occurs at a poorly conserved position in the protein, it is predicted to be benign by multiple in silico algorithms, and/or has population frequency not consistent with disease.

Breakthrough Genomics
Classification: Benign. Review status: criteria provided, single submitter. Criteria: ACMG Guidelines, 2015. Collection method: not provided. Allele origin: germline. Inheritance: Autosomal dominant inheritance. Affected: yes.